The following is an entry in ClinVar:

NM_004990.4(MARS1):c.415-5del

Gene: MARS1 (methionyl-tRNA synthetase 1; plus strand). Cytogenetic location: 12q13.3.
Variant type: Deletion.
Coding change: c.415-5del on transcript NM_004990.4 (MANE Select); 5 bases into the intron before coding-DNA position 415, one base deleted (C; older notation c.415-5delC).
Molecular consequence: intron variant.
Genome position (GRCh38, 1-based): chr12:57,489,891, C deleted. VCF-style (leftmost placement, unchanged base first): chr12-57489890-AC-A. GRCh37 (hg19) VCF-style: chr12-57883673-AC-A.
Other names: c.415-5delC (NM_004990.3).
Identifiers: ClinVar variation 1166316 (VCV001166316.10), dbSNP rs781175787, ClinGen allele CA6650173.

ClinVar aggregate classification (germline): Benign/Likely benign. Review status: criteria provided, multiple submitters, no conflicts (2 of 4 stars). 2 submissions from 2 submitters: Benign (1); Likely benign (1). Last evaluated 2026-09-25.

Conditions:
MARS1-related disorder. Also called: MARS1-related condition.
Charcot-Marie-Tooth disease axonal type 2U. Also called: CHARCOT-MARIE-TOOTH NEUROPATHY, TYPE 2U; CHARCOT-MARIE-TOOTH DISEASE, AXONAL, AUTOSOMAL DOMINANT, TYPE 2U. Identifiers: Orphanet 397735, MedGen C4084821, MONDO:0014566, OMIM 616280.
Severe early-onset pulmonary alveolar proteinosis due to MARS deficiency. Also called: PULMONARY ALVEOLAR PROTEINOSIS, REUNION ISLAND; Interstitial lung and liver disease. Identifiers: Orphanet 440427, MedGen C4225400, MONDO:0014206, OMIM 615486.

Allele frequency attached by ClinVar (database versions not stated): TOPMed 0.00002; gnomAD 0.00004; gnomAD exomes 0.00004 and 0.00006; ExAC 0.00008.

Submissions (2):

PreventionGenetics, part of Exact Sciences
Classification: Likely benign for MARS1-related condition. Last evaluated: 2026-09-25. Review status: criteria provided, single submitter. Criteria: ACMG Guidelines, 2015. Collection method: clinical testing. Allele origin: germline.
Comment: This variant is classified as likely benign based on ACMG/AMP sequence variant interpretation guidelines (Richards et al. 2015 PMID: 25741868, with internal and published modifications).

Labcorp Genetics (formerly Invitae), Labcorp
Classification: Benign for Charcot-Marie-Tooth disease axonal type 2U; Severe early-onset pulmonary alveolar proteinosis due to MARS deficiency. Last evaluated: 2025-06-10. Review status: criteria provided, single submitter. Criteria: Invitae Variant Classification Sherloc (09022015). Collection method: clinical testing. Allele origin: germline.